The following is an entry in ClinVar:

ClinVar aggregate classification (germline): Uncertain significance (1 of 4 stars; one submission).

Conditions:
Combined immunodeficiency due to LRBA deficiency. Also called: Common variable immunodeficiency 8, with autoimmunity. Identifiers: Orphanet 445018, MedGen C3553512, MONDO:0013863, OMIM 614700.

Allele frequency attached by ClinVar (database versions not stated): gnomAD exomes below 0.00001 and 0.00001; ExAC 0.00001.
gnomAD v4.1: 3 of 1,613,912 alleles (0.00019%); highest among the groups gnomAD compares: South Asian, 0.0022%; no homozygotes.

Submission:

Labcorp Genetics (formerly Invitae), Labcorp
Classification: Uncertain significance for Combined immunodeficiency due to LRBA deficiency. Last evaluated: 2022-10-17. Review status: criteria provided, single submitter. Criteria: Invitae Variant Classification Sherloc (09022015). Collection method: clinical testing. Allele origin: germline.
Comment: This sequence change replaces valine, which is neutral and non-polar, with alanine, which is neutral and non-polar, at codon 1303 of the LRBA protein (p.Val1303Ala). This variant is present in population databases (rs202218980, gnomAD 0.006%). In summary, the available evidence is currently insufficient to determine the role of this variant in disease. Therefore, it has been classified as a Variant of Uncertain Significance. Advanced modeling of protein sequence and biophysical properties (such as structural, functional, and spatial information, amino acid conservation, physicochemical variation, residue mobility, and thermodynamic stability) performed at Invitae indicates that this missense variant is not expected to disrupt LRBA protein function. ClinVar contains an entry for this variant (Variation ID: 1461193). This variant has not been reported in the literature in individuals affected with LRBA-related conditions.

NM_001364905.1(LRBA):c.3908T>C (p.Val1303Ala)

Gene: LRBA (LPS responsive beige-like anchor protein; minus strand). Cytogenetic location: 4q31.3.
Variant type: single nucleotide variant.
Coding change: c.3908T>C on transcript NM_001364905.1 (MANE Select); coding-DNA position 3908, T replaced by C.
Protein change: p.Val1303Ala; replaces valine 1303 with alanine.
Molecular consequence: missense variant.
Genome position (GRCh38, 1-based): chr4:150,850,820, A>G on the plus strand (T>C on the coding strand, the complement: LRBA is on the minus strand). VCF-style: chr4-150850820-A-G. GRCh37 (hg19) VCF-style: chr4-151771972-A-G.
Other names: c.3908T>C, p.Val1303Ala (NM_001199282.3, NM_001367550.1, NM_006726.5); short protein forms V1303A.
Identifiers: ClinVar variation 1461193 (VCV001461193.6), dbSNP rs202218980, ClinGen allele CA3102955.